The following is an entry in ClinVar:

NM_000051.4(ATM):c.4152T>G (p.His1384Gln)

Gene: ATM (ATM serine/threonine kinase; plus strand). Cytogenetic location: 11q22.3.
Variant type: single nucleotide variant.
Coding change: c.4152T>G on transcript NM_000051.4 (MANE Select); coding-DNA position 4152, T replaced by G.
Protein change: p.His1384Gln; replaces histidine 1384 with glutamine.
Molecular consequence: missense variant.
Genome position (GRCh38, 1-based): chr11:108,289,019, T>G. VCF-style: chr11-108289019-T-G. GRCh37 (hg19) VCF-style: chr11-108159746-T-G.
Other names: c.4152T>G, p.His1384Gln (NM_001351834.2); short protein forms H1384Q.
Identifiers: ClinVar variation 3720455 (VCV003720455.2).

ClinVar aggregate classification (germline): Uncertain significance (1 of 4 stars; one submission).

Conditions:
Ataxia-telangiectasia syndrome (AT). Also called: ATAXIA-TELANGIECTASIA, COMPLEMENTATION GROUP A; ATAXIA-TELANGIECTASIA, FRESNO VARIANT; Ataxia-telangiectasia; Ataxia-telangiectasia, complementation group E; Ataxia telangiectasia (A-T); LOUIS-BAR SYNDROME. Identifiers: Orphanet 100, MedGen C0004135, MONDO:0008840, OMIM 208900.

Submission:

Labcorp Genetics (formerly Invitae), Labcorp
Classification: Uncertain significance for Ataxia-telangiectasia syndrome. Last evaluated: 2024-12-21. Review status: criteria provided, single submitter. Criteria: Invitae Variant Classification Sherloc (09022015). Collection method: clinical testing. Allele origin: germline.
Comment: This sequence change replaces histidine, which is basic and polar, with glutamine, which is neutral and polar, at codon 1384 of the ATM protein (p.His1384Gln). This variant is not present in population databases (gnomAD no frequency). This variant has not been reported in the literature in individuals affected with ATM-related conditions. Invitae Evidence Modeling of protein sequence and biophysical properties (such as structural, functional, and spatial information, amino acid conservation, physicochemical variation, residue mobility, and thermodynamic stability) indicates that this missense variant is not expected to disrupt ATM protein function with a negative predictive value of 95%. Algorithms developed to predict the effect of sequence changes on RNA splicing suggest that this variant may disrupt the consensus splice site. In summary, the available evidence is currently insufficient to determine the role of this variant in disease. Therefore, it has been classified as a Variant of Uncertain Significance.